The following is an entry in ClinVar:

NM_033380.3(COL4A5):c.3181C>T (p.Gln1061Ter)

Gene: COL4A5 (collagen type IV alpha 5 chain; plus strand). Cytogenetic location: Xq22.3.
Variant type: single nucleotide variant.
Coding change: c.3181C>T on transcript NM_033380.3 (MANE Select); coding-DNA position 3181, C replaced by T.
Protein change: p.Gln1061Ter; replaces glutamine 1061 with a stop codon.
Molecular consequence: nonsense.
Genome position (GRCh38, 1-based): chrX:108,626,284, C>T. VCF-style: chrX-108626284-C-T. GRCh37 (hg19) VCF-style: chrX-107869514-C-T.
Other names: c.3181C>T, p.Gln1061Ter (NM_000495.5); short protein forms Q1061*.
Identifiers: ClinVar variation 1333704 (VCV001333704.1), dbSNP rs104886213, ClinGen allele CA258819.

ClinVar aggregate classification (germline): Pathogenic (1 of 4 stars; one submission).

Conditions:
X-linked Alport syndrome (ATS1). Also called: NEPHROPATHY AND DEAFNESS, X-LINKED; COL4A5-Related Nephropathy. Identifiers: Orphanet 63, Orphanet 88917, MedGen C4746986, MONDO:0010520, OMIM 301050.

Submission:

3billion
Classification: Pathogenic for X-linked Alport syndrome. Last evaluated: 2022-01-03. Review status: criteria provided, single submitter. Criteria: ACMG Guidelines, 2015. Collection method: clinical testing. Allele origin: germline. Affected: yes. Observed: 1 hemizygote.
Comment: The variant has been reported to be associated with COL4A5 related disorder (ClinVar ID: VCV000024600, PMID:10094548).Stop-gained (nonsense): predicted to result in a loss or disruption of normal protein function through nonsense-mediated decay (NMD) or protein truncation. Multiple pathogenic variants are reported downstream of the variant (PVS1_VS). It is not observed in the gnomAD v2.1.1 dataset (PM2_M). Therefore, this variant is classified as pathogenic according to the recommendation of ACMG/AMP guideline.

Literature cited by the submitters: PubMed 10094548.